The following is an entry in ClinVar:

ClinVar aggregate classification (germline): Pathogenic (1 of 4 stars; one submission).

Conditions:
Acute infantile liver failure due to synthesis defect of mtDNA-encoded proteins. Also called: TRMU Deficiency; Liver failure acute infantile; LIVER FAILURE, INFANTILE, TRANSIENT. Identifiers: Orphanet 217371, MedGen C3278664, MONDO:0013111, OMIM 613070.

Submission:

Women's Health and Genetics/Laboratory Corporation of America, LabCorp
Classification: Pathogenic for Acute infantile liver failure due to synthesis defect of mtDNA-encoded proteins. Last evaluated: 2025-07-28. Review status: criteria provided, single submitter. Criteria: LabCorp Variant Classification Summary - May 2015. Collection method: clinical testing. Allele origin: germline.
Comment: Variant summary: The variant involves the deletion of exons 45-52 in the NBAS gene. The exact breakpoint at the distal 3' end of this variant is unknown, therefore this deletion may extend downstream of the annotated region of the gene. As it encompasses the termination codon, it is predicted to escape nonsense mediated decay (NMD). A presumed nomenclature of c.(5724+1_5725-1)_(*133_?)del has been designated for the purposes of this classification. The variant was absent in 21694 control chromosomes. To our knowledge, no occurrence of c.(5724+1_5725-1)_(*133_?)del in individuals affected with Liver Failure Acute Infantile, Type 2 and no experimental evidence demonstrating its impact on protein function have been reported. A variant within the deleted region c.5741G>A (p.Arg1914His) has been observed in individual(s) with short stature, optic nerve atrophy, and Pelger-Huet (SOPH) anomaly (PMID: 20577004, 24884844, 27789416, 28031453, 28115293, 28425089). ClinVar contains an entry for this variant (Variation ID: 2426231). Based on the evidence outlined above, the variant was classified as pathogenic.

NC_000002.11:g.(?_15307039)_(15378811_15415607)del

Gene: NBAS (NBAS subunit of NRZ tethering complex; minus strand). Cytogenetic location: 2p24.3.
Variant type: Deletion.
Identifiers: ClinVar variation 4526189 (VCV004526189.1).